The following is an entry in ClinVar:

NM_020780.2(DISP3):c.3891C>T (p.Ala1297=)

Gene: DISP3 (dispatched RND transporter family member 3; plus strand). Cytogenetic location: 1p36.22.
Variant type: single nucleotide variant.
Coding change: c.3891C>T on transcript NM_020780.2 (MANE Select); coding-DNA position 3891, C replaced by T.
Protein change: p.Ala1297=; no amino-acid change (alanine 1297 retained).
Molecular consequence: synonymous variant.
Genome position (GRCh38, 1-based): chr1:11,536,398, C>T. VCF-style: chr1-11536398-C-T. GRCh37 (hg19) VCF-style: chr1-11596455-C-T.
Identifiers: ClinVar variation 3060452 (VCV003060452.2), dbSNP rs2594310, ClinGen allele CA592606.

ClinVar aggregate classification (germline): Benign (0 of 4 stars; one submission).

Conditions:
DISP3-related disorder. Also called: DISP3-related condition.

Allele frequency attached by ClinVar (database versions not stated): gnomAD exomes 0.08842; ExAC 0.13263; gnomAD 0.20570; TOPMed 0.20922; ESP Exome Variant Server 0.21582; 1000 Genomes Project 0.24341; 1000 Genomes Project 30x 0.24922.
gnomAD v4.1: 161,805 of 1,611,706 alleles (10%); highest among the groups gnomAD compares: African/African-American, 53%; 16,927 homozygotes.

Submission:

PreventionGenetics, part of Exact Sciences
Classification: Benign for DISP3-related condition. Last evaluated: 2022-09-23. Review status: no assertion criteria provided. Collection method: clinical testing. Allele origin: germline.
Comment: This variant is classified as benign based on ACMG/AMP sequence variant interpretation guidelines (Richards et al. 2015 PMID: 25741868, with internal and published modifications).